The following is an entry in ClinVar:

ClinVar aggregate classification (germline): Uncertain significance. Review status: criteria provided, multiple submitters, no conflicts (2 of 4 stars). 2 submissions from 2 submitters: Uncertain significance (2). Last evaluated 2024-02-08.

Conditions:
Glomerulopathy with fibronectin deposits 2 (GFND2). Identifiers: Orphanet 84090, MedGen C1866075, MONDO:0011165, OMIM 601894.
Spondylometaphyseal dysplasia - Sutcliffe type. Also called: Spondylometaphyseal dysplasia, 'corner fracture' type; Spondylometaphyseal Dysplasia, Corner Fracture Type; Sutcliffe type of spondylometaphyseal dysplasia; Sutcliffe SMD. Identifiers: Orphanet 93315, MedGen C0432221, MONDO:0008479, OMIM 184255.

Allele frequency attached by ClinVar (database versions not stated): ExAC 0.00001; gnomAD exomes 0.00001; gnomAD 0.00003.
gnomAD v4.1: 9 of 1,614,056 alleles (0.00056%); highest among the groups gnomAD compares: South Asian, 0.0099%; no homozygotes.

Submissions (2):

Fulgent Genetics
Classification: Uncertain significance for Spondylometaphyseal dysplasia - Sutcliffe type; Glomerulopathy with fibronectin deposits 2. Last evaluated: 2024-02-08. Review status: criteria provided, single submitter. Criteria: ACMG Guidelines, 2015. Collection method: clinical testing. Allele origin: germline.

Labcorp Genetics (formerly Invitae), Labcorp
Classification: Uncertain significance. Last evaluated: 2022-09-10. Review status: criteria provided, single submitter. Criteria: Invitae Variant Classification Sherloc (09022015). Collection method: clinical testing. Allele origin: germline.
Comment: Advanced modeling of protein sequence and biophysical properties (such as structural, functional, and spatial information, amino acid conservation, physicochemical variation, residue mobility, and thermodynamic stability) performed at Invitae indicates that this missense variant is not expected to disrupt FN1 protein function. In summary, the available evidence is currently insufficient to determine the role of this variant in disease. Therefore, it has been classified as a Variant of Uncertain Significance. ClinVar contains an entry for this variant (Variation ID: 1390925). This variant has not been reported in the literature in individuals affected with FN1-related conditions. This variant is present in population databases (rs759729263, gnomAD 0.01%). This sequence change replaces aspartic acid, which is acidic and polar, with glutamic acid, which is acidic and polar, at codon 288 of the FN1 protein (p.Asp288Glu).

NM_212482.4(FN1):c.864T>G (p.Asp288Glu)

Gene: FN1 (fibronectin 1; minus strand). Cytogenetic location: 2q35.
Variant type: single nucleotide variant.
Coding change: c.864T>G on transcript NM_212482.4 (MANE Select); coding-DNA position 864, T replaced by G.
Protein change: p.Asp288Glu; replaces aspartic acid 288 with glutamic acid.
Molecular consequence: missense variant.
Genome position (GRCh38, 1-based): chr2:215,425,266, A>C on the plus strand (T>G on the coding strand, the complement: FN1 is on the minus strand). VCF-style: chr2-215425266-A-C. GRCh37 (hg19) VCF-style: chr2-216289989-A-C.
Other names: c.864T>G, p.Asp288Glu (NM_001365523.2, NM_001365524.2, NM_002026.4 and 14 more transcripts); short protein forms D288E.
Identifiers: ClinVar variation 1390925 (VCV001390925.9), dbSNP rs759729263, ClinGen allele CA2095437.